The following is an entry in ClinVar:

ClinVar aggregate classification (germline): Likely benign. Review status: criteria provided, multiple submitters, no conflicts (2 of 4 stars). 3 submissions from 3 submitters: Likely benign (3). Last evaluated 2026-02-02.

Conditions:
FASLG-related disorder. Also called: FASLG-related condition.
Autoimmune lymphoproliferative syndrome type 1. Also called: AUTOIMMUNE LYMPHOPROLIFERATIVE SYNDROME, TYPE I, AUTOSOMAL DOMINANT. Identifiers: Orphanet 3261, MedGen C2717884, MONDO:0011158, OMIM 601859.

Allele frequency attached by ClinVar (database versions not stated): gnomAD exomes 0.00006; gnomAD 0.00007 and 0.00008; TOPMed 0.00007; ExAC 0.00008; ESP Exome Variant Server 0.00015.
gnomAD v4.1: 207 of 1,610,636 alleles (0.013%); highest among the groups gnomAD compares: Non-Finnish European, 0.016%; 1 homozygote.

Submissions (3):

Labcorp Genetics (formerly Invitae), Labcorp
Classification: Likely benign for Autoimmune lymphoproliferative syndrome. Last evaluated: 2026-02-02. Review status: criteria provided, single submitter. Criteria: Invitae Variant Classification Sherloc (09022015). Collection method: clinical testing. Allele origin: germline.

PreventionGenetics, part of Exact Sciences
Classification: Likely benign for FASLG-related condition. Last evaluated: 2025-02-12. Review status: criteria provided, single submitter. Criteria: ACMG Guidelines, 2015. Collection method: clinical testing. Allele origin: germline.
Comment: This variant is classified as likely benign based on ACMG/AMP sequence variant interpretation guidelines (Richards et al. 2015 PMID: 25741868, with internal and published modifications).

Blueprint Genetics
Classification: Likely benign. Last evaluated: 2023-08-23. Review status: criteria provided, single submitter. Criteria: ACMG Guidelines, 2015. Collection method: clinical testing. Allele origin: germline.

NM_000639.3(FASLG):c.153G>A (p.Pro51=)

Gene: FASLG (Fas ligand; plus strand). Cytogenetic location: 1q24.3.
Variant type: single nucleotide variant.
Coding change: c.153G>A on transcript NM_000639.3 (MANE Select); coding-DNA position 153, G replaced by A.
Protein change: p.Pro51=; no amino-acid change (proline 51 retained).
Molecular consequence: synonymous variant.
Genome position (GRCh38, 1-based): chr1:172,659,354, G>A. VCF-style: chr1-172659354-G-A. GRCh37 (hg19) VCF-style: chr1-172628494-G-A.
Other names: c.153G>A, p.Pro51= (NM_001302746.2).
Identifiers: ClinVar variation 735838 (VCV000735838.11), dbSNP rs147380045, ClinGen allele CA1247461.